The following is an entry in ClinVar:

ClinVar aggregate classification (germline): Uncertain significance. Review status: criteria provided, multiple submitters, no conflicts (2 of 4 stars). 2 submissions from 2 submitters: Uncertain significance (2). Last evaluated 2025-09-10.

Conditions:
Cardiovascular phenotype. Identifiers: MedGen CN230736.
Alstrom syndrome (ALMS). Identifiers: Orphanet 64, MedGen C0268425, MONDO:0008763, OMIM 203800.

Allele frequency attached by ClinVar (database versions not stated): gnomAD 0.00001; TOPMed 0.00001.
gnomAD v4.1: 2 of 1,613,874 alleles (0.00012%); highest among the groups gnomAD compares: Non-Finnish European, 0.00017%; no homozygotes.

Submissions (2):

Ambry Genetics
Classification: Uncertain significance for Cardiovascular phenotype. Last evaluated: 2025-09-10. Review status: criteria provided, single submitter. Criteria: Ambry Variant Classification Scheme 2023. Collection method: clinical testing. Allele origin: germline.
Comment: The p.S714F variant (also known as c.2141C>T), located in coding exon 8 of the ALMS1 gene, results from a C to T substitution at nucleotide position 2141. The serine at codon 714 is replaced by phenylalanine, an amino acid with highly dissimilar properties. This amino acid position is well conserved in available vertebrate species. In addition, this alteration is predicted to be tolerated by in silico analysis. Based on the available evidence, the clinical significance of this variant remains unclear.

Labcorp Genetics (formerly Invitae), Labcorp
Classification: Uncertain significance for Alstrom syndrome. Last evaluated: 2022-07-15. Review status: criteria provided, single submitter. Criteria: Invitae Variant Classification Sherloc (09022015). Collection method: clinical testing. Allele origin: germline.
Comment: This sequence change replaces serine with phenylalanine at codon 714 of the ALMS1 protein (p.Ser714Phe). The serine residue is moderately conserved and there is a large physicochemical difference between serine and phenylalanine. This variant is not present in population databases (gnomAD no frequency). This variant has not been reported in the literature in individuals affected with ALMS1-related conditions. Experimental studies and prediction algorithms are not available or were not evaluated, and the functional significance of this variant is currently unknown. In summary, the available evidence is currently insufficient to determine the role of this variant in disease. Therefore, it has been classified as a Variant of Uncertain Significance.

NM_001378454.1(ALMS1):c.2138C>T (p.Ser713Phe)

Gene: ALMS1 (ALMS1 centrosome and basal body associated protein; plus strand). Cytogenetic location: 2p13.1.
Variant type: single nucleotide variant.
Coding change: c.2138C>T on transcript NM_001378454.1 (MANE Select); coding-DNA position 2138, C replaced by T.
Protein change: p.Ser713Phe; replaces serine 713 with phenylalanine.
Molecular consequence: missense variant.
Genome position (GRCh38, 1-based): chr2:73,448,665, C>T. VCF-style: chr2-73448665-C-T. GRCh37 (hg19) VCF-style: chr2-73675792-C-T.
Other names: c.2141C>T, p.Ser714Phe (NM_015120.4); short protein forms S714F, S713F.
Identifiers: ClinVar variation 1786593 (VCV001786593.6), dbSNP rs771496254, ClinGen allele CA347266886.